The following is an entry in ClinVar:

NM_013266.4(CTNNA3):c.1787G>A (p.Ser596Asn)

Gene: CTNNA3 (catenin alpha 3; minus strand). Cytogenetic location: 10q21.3.
Variant type: single nucleotide variant.
Coding change: c.1787G>A on transcript NM_013266.4 (MANE Select); coding-DNA position 1787, G replaced by A.
Protein change: p.Ser596Asn; replaces serine 596 with asparagine.
Molecular consequence: missense variant.
Genome position (GRCh38, 1-based): chr10:66,280,567, C>T on the plus strand (G>A on the coding strand, the complement: CTNNA3 is on the minus strand). VCF-style: chr10-66280567-C-T. GRCh37 (hg19) VCF-style: chr10-68040325-C-T.
Other names: c.1787G>A, p.Ser596Asn (NM_001127384.3); short protein forms S596N.
Identifiers: ClinVar variation 1169338 (VCV001169338.20), dbSNP rs4548513, ClinGen allele CA5519817.
Genomic context (GRCh38, chr10:66,280,567, plus strand): 5'-GTATCATAGATCTTCTTTGAGATGTCCACAAATTGATTATCATCCAACACATTCAATGAG[C>T]TTTTGCTTAAGGCTTCCAAGGCAACATTCACTTGTGTTACAAATTCAGGAATTACTGTTA-3'
Protein context (NP_037398.2, residues 586-606): VNVALEALSK[Ser596Asn]SLNVLDDNQF

ClinVar aggregate classification (germline): Benign/Likely benign. Review status: criteria provided, multiple submitters, no conflicts (2 of 4 stars). 8 submissions from 8 submitters: Benign (4); Likely benign (1). 3 of the submissions do not count toward it. Last evaluated 2026-02-04.

Conditions:
Arrhythmogenic right ventricular dysplasia 13. Also called: ARRHYTHMOGENIC RIGHT VENTRICULAR CARDIOMYOPATHY 13; Arrhythmogenic right ventricular dysplasia, familial, 13. Identifiers: MedGen C3810138, MONDO:0000908, OMIM 615616.

Allele frequency attached by ClinVar (database versions not stated): gnomAD exomes 0.37151 and 0.40431; ExAC 0.41197; ESP Exome Variant Server 0.46655; gnomAD 0.46947 and 0.47526; TOPMed 0.47482; 1000 Genomes Project 0.48502; 1000 Genomes Project 30x 0.49079.

Submissions (8):

Labcorp Genetics (formerly Invitae), Labcorp
Classification: Benign for Arrhythmogenic right ventricular dysplasia 13. Last evaluated: 2026-02-04. Review status: criteria provided, single submitter. Criteria: Invitae Variant Classification Sherloc (09022015). Collection method: clinical testing. Allele origin: germline.

Women's Health and Genetics/Laboratory Corporation of America, LabCorp
Classification: Likely benign. Last evaluated: 2025-04-11. Review status: criteria provided, single submitter. Criteria: LabCorp Variant Classification Summary - May 2015. Collection method: clinical testing. Allele origin: germline.
Comment: Variant summary: CTNNA3 c.1787G>A (p.Ser596Asn) results in a conservative amino acid change in the encoded protein sequence. Five of five in-silico tools predict a benign effect of the variant on protein function. The variant allele was found at a frequency of 0.4 in 247298 control chromosomes in the gnomAD database, including 21107 homozygotes. The observed variant frequency is approximately 64688 fold of the estimated maximal expected allele frequency for a pathogenic variant in CTNNA3 causing Arrhythmogenic Right Ventricular Dysplasia/Cardiomyopathy phenotype (6.3e-06). ClinVar contains an entry for this variant (Variation ID: 1169338). Based on the evidence outlined above, the variant was classified as likely benign.

Blueprint Genetics
Classification: Benign. Last evaluated: 2024-11-27. Review status: criteria provided, single submitter. Criteria: ACMG Guidelines, 2015. Collection method: clinical testing. Allele origin: germline.

GeneDx
Classification: Benign. Last evaluated: 2018-09-06. Review status: criteria provided, single submitter. Criteria: GeneDx Variant Classification Process June 2021. Collection method: clinical testing. Allele origin: germline. Affected: yes.
Comment: This variant is associated with the following publications: (PMID: 31182772, 17209133)

Breakthrough Genomics
Classification: Benign. Review status: criteria provided, single submitter. Criteria: ACMG Guidelines, 2015. Collection method: not provided. Allele origin: germline. Inheritance: Autosomal dominant inheritance. Affected: yes.

Clinical Genetics DNA and cytogenetics Diagnostics Lab, Erasmus MC, Erasmus Medical Center
Classification: Benign. Review status: no assertion criteria provided. Collection method: clinical testing. Allele origin: germline. Affected: yes. Study: VKGL Data-share Consensus. Not counted in ClinVar's aggregate classification.

Clinical Genetics, Academic Medical Center
Classification: Benign. Review status: no assertion criteria provided. Collection method: clinical testing. Allele origin: germline. Affected: yes. Study: VKGL Data-share Consensus. Not counted in ClinVar's aggregate classification.

Joint Genome Diagnostic Labs from Nijmegen and Maastricht, Radboudumc and MUMC+
Classification: Benign. Review status: no assertion criteria provided. Collection method: clinical testing. Allele origin: germline. Affected: yes. Study: VKGL Data-share Consensus. Not counted in ClinVar's aggregate classification.